The following is an entry in ClinVar:

NM_014324.6(AMACR):c.290G>C (p.Arg97Pro)

Genes: AMACR (alpha-methylacyl-CoA racemase; minus strand), C1QTNF3-AMACR (C1QTNF3-AMACR readthrough (NMD candidate); minus strand). Cytogenetic location: 5p13.2.
Variant type: single nucleotide variant.
Coding change: c.290G>C on transcript NM_014324.6 (MANE Select); coding-DNA position 290, G replaced by C.
Protein change: p.Arg97Pro; replaces arginine 97 with proline.
Molecular consequence: missense variant. On other transcripts: non-coding transcript variant (1).
Genome position (GRCh38, 1-based): chr5:34,005,857, C>G on the plus strand (G>C on the coding strand, the complement: AMACR is on the minus strand). VCF-style: chr5-34005857-C-G. GRCh37 (hg19) VCF-style: chr5-34005962-C-G.
Other names: c.290G>C (NM_014324.5); c.290G>C, p.Arg97Pro (NM_001167595.2, NM_203382.3); short protein forms R97P.
Identifiers: ClinVar variation 502796 (VCV000502796.12), dbSNP rs139273474, ClinGen allele CA3226245.

ClinVar aggregate classification (germline): Uncertain significance. Review status: criteria provided, multiple submitters, no conflicts (2 of 4 stars). 5 submissions from 5 submitters: Uncertain significance (4). 1 of the submissions does not count toward it. Last evaluated 2024-10-07.

Conditions:
Inborn genetic diseases. Identifiers: MedGen C0950123, MeSH D030342.
Alpha-methylacyl-CoA racemase deficiency (AMACRD). Also called: AMACR deficiency. Identifiers: Orphanet 79095, MedGen C3280428, MONDO:0013681, OMIM 614307. Disease mechanism: loss of function.
AMACR-related disorder. Also called: AMACR-related condition; AMACR-Related Disorders.

Allele frequency attached by ClinVar (database versions not stated): ExAC 0.00010; TOPMed 0.00016; ESP Exome Variant Server 0.00031.
gnomAD v4.1: 503 of 1,614,014 alleles (0.031%); highest among the groups gnomAD compares: Non-Finnish European, 0.038%; no homozygotes.

Submissions (5):

Ambry Genetics
Classification: Uncertain significance for Inborn genetic diseases. Last evaluated: 2024-10-07. Review status: criteria provided, single submitter. Criteria: Ambry Variant Classification Scheme 2023. Collection method: clinical testing. Allele origin: germline.

Labcorp Genetics (formerly Invitae), Labcorp
Classification: Uncertain significance for Alpha-methylacyl-CoA racemase deficiency. Last evaluated: 2022-10-13. Review status: criteria provided, single submitter. Criteria: Invitae Variant Classification Sherloc (09022015). Collection method: clinical testing. Allele origin: germline.
Comment: This sequence change replaces arginine, which is basic and polar, with proline, which is neutral and non-polar, at codon 97 of the AMACR protein (p.Arg97Pro). This variant is present in population databases (rs139273474, gnomAD 0.02%). This variant has not been reported in the literature in individuals affected with AMACR-related conditions. ClinVar contains an entry for this variant (Variation ID: 502796). Advanced modeling of protein sequence and biophysical properties (such as structural, functional, and spatial information, amino acid conservation, physicochemical variation, residue mobility, and thermodynamic stability) performed at Invitae indicates that this missense variant is not expected to disrupt AMACR protein function. In summary, the available evidence is currently insufficient to determine the role of this variant in disease. Therefore, it has been classified as a Variant of Uncertain Significance.

Department of Pathology and Laboratory Medicine, Sinai Health System
Classification: Uncertain significance for alpha-methylacyl-CoA racemase deficiency. Last evaluated: 2022-02-14. Review status: criteria provided, single submitter. Criteria: ACMG Guidelines, 2015. Collection method: research. Allele origin: germline.

Eurofins Ntd Llc (ga)
Classification: Uncertain significance. Last evaluated: 2017-06-29. Review status: criteria provided, single submitter. Criteria: EGL Classification Definitions 2015. Collection method: clinical testing. Allele origin: germline. Observed: 1 variant allele, 1 heterozygote.

PreventionGenetics, part of Exact Sciences
Classification: Uncertain significance for AMACR-related condition. Last evaluated: 2024-05-28. Review status: no assertion criteria provided. Collection method: clinical testing. Allele origin: germline. Not counted in ClinVar's aggregate classification.
Comment: The AMACR c.290G>C variant is predicted to result in the amino acid substitution p.Arg97Pro. To our knowledge, this variant has not been reported in the literature. This variant is reported in 0.020% of alleles in individuals of African descent in gnomAD. At this time, the clinical significance of this variant is uncertain due to the absence of conclusive functional and genetic evidence.